The following is an entry in ClinVar:

NM_004863.4(SPTLC2):c.-30G>C

Gene: SPTLC2 (serine palmitoyltransferase long chain base subunit 2; minus strand). Cytogenetic location: 14q24.3.
Variant type: single nucleotide variant.
Coding change: c.-30G>C on transcript NM_004863.4 (MANE Select); 30 bases upstream of the start codon, G replaced by C.
Molecular consequence: 5 prime UTR variant.
Genome position (GRCh38, 1-based): chr14:77,616,609, C>G on the plus strand (G>C on the coding strand, the complement: SPTLC2 is on the minus strand). VCF-style: chr14-77616609-C-G. GRCh37 (hg19) VCF-style: chr14-78082952-C-G.
Identifiers: ClinVar variation 380692 (VCV000380692.32), dbSNP rs142320856, ClinGen allele CA7289535.

ClinVar aggregate classification (germline): Likely benign. Review status: criteria provided, multiple submitters, no conflicts (2 of 4 stars). 3 submissions from 3 submitters: Likely benign (3). Last evaluated 2025-08-01.

Allele frequency attached by ClinVar (database versions not stated): 1000 Genomes Project 0.00120; TOPMed 0.00198; 1000 Genomes Project 30x 0.00234.
gnomAD v4.1: 507 of 1,534,156 alleles (0.033%); highest among the groups gnomAD compares: African/African-American, 0.54%; 2 homozygotes.

Submissions (3):

CeGaT Center for Human Genetics Tuebingen
Classification: Likely benign. Last evaluated: 2025-08-01. Review status: criteria provided, single submitter. Criteria: CeGaT Center For Human Genetics Tuebingen Variant Classification Criteria Version 2. Collection method: clinical testing. Allele origin: germline. Affected: yes. Observed: 4 variant alleles.
Comment: SPTLC2: BS1

GeneDx
Classification: Likely benign. Last evaluated: 2016-10-20. Review status: criteria provided, single submitter. Criteria: GeneDx Variant Classification (06012015). Collection method: clinical testing. Allele origin: germline. Affected: yes.
Comment: This variant is considered likely benign or benign based on one or more of the following criteria: it is a conservative change, it occurs at a poorly conserved position in the protein, it is predicted to be benign by multiple in silico algorithms, and/or has population frequency not consistent with disease.

Breakthrough Genomics
Classification: Likely benign. Review status: criteria provided, single submitter. Criteria: ACMG Guidelines, 2015. Collection method: not provided. Allele origin: germline. Inheritance: Autosomal dominant inheritance. Affected: yes.